The following is an entry in ClinVar:

NC_000019.9:g.(?_49684586)_(49694050_?)dup

Gene: TRPM4 (transient receptor potential cation channel subfamily M member 4; plus strand). Cytogenetic location: 19q13.33.
Variant type: Duplication.
Identifiers: ClinVar variation 2426333 (VCV002426333.3).

ClinVar aggregate classification (germline): Uncertain significance (1 of 4 stars; one submission).

Conditions:
Progressive familial heart block type IB (PFHB1B). Identifiers: Orphanet 871, MedGen C1970298, MONDO:0011474, OMIM 604559.

Submission:

Labcorp Genetics (formerly Invitae), Labcorp
Classification: Uncertain significance for Progressive familial heart block type IB. Last evaluated: 2022-07-13. Review status: criteria provided, single submitter. Criteria: Invitae Variant Classification Sherloc (09022015). Collection method: clinical testing. Allele origin: germline.
Comment: This variant results in a copy number gain of the genomic region encompassing exon(s) 10-16 of the TRPM4 gene. While the exact position of this variant cannot be determined from the data, sub-genic copy number gains are generally in tandem (PMID: 25640679). This variant is predicted to be out-of-frame, and may result in an absent or disrupted protein product. However, the current clinical and genetic evidence is not sufficient to establish whether loss-of-function variants in TRPM4 cause disease. This variant has not been reported in the literature in individuals affected with TRPM4-related conditions. In summary, the available evidence is currently insufficient to determine the role of this variant in disease. Therefore, it has been classified as a Variant of Uncertain Significance.

Literature cited by the submitters: PubMed 25640679.